The following is an entry in ClinVar:

NM_000517.6(HBA2):c.79_95+25del

Genes: HBA2 (hemoglobin subunit alpha 2; plus strand), LOC106804612 (hemoglobin subunit alpha 2 recombination region; plus strand). Cytogenetic location: 16p13.3.
Variant type: Deletion.
Coding change: c.79_95+25del on transcript NM_000517.6 (MANE Select); coding-DNA position 79 through 25 bases into the intron after coding-DNA position 95, 42 bases deleted.
Molecular consequence: splice donor variant.
Genome position (GRCh38, 1-based): chr16:172,991-173,032, 42 bases deleted. GRCh37 (hg19): chr16:222,990-223,031.
Identifiers: ClinVar variation 4818675 (VCV004818675.1).

ClinVar aggregate classification (germline): Likely pathogenic (1 of 4 stars; one submission).

Conditions:
alpha Thalassemia. Also called: Alpha thalassemia spectrum. Identifiers: Orphanet 846, MedGen C0002312, MONDO:0011399, OMIM 604131.

Submission:

Natera, Inc.
Classification: Likely pathogenic for Alpha thalassemia. Last evaluated: 2025-10-14. Review status: criteria provided, single submitter. Criteria: Natera Variant Classification Schema (03/2026). Collection method: clinical testing. Allele origin: germline.
Comment: The c.79_95+25del variant in HBA2 is a deletion affecting a canonical donor splice site. This variant is expected to result in nonsense mediated decay, truncation, or a dysfunctional protein product. This variant is rare in the general population with a frequency below the threshold expected for the associated phenotype(s). Given the available evidence, this variant is classified as Likely Pathogenic.